The following is an entry in ClinVar:

NM_007294.4(BRCA1):c.2696T>G (p.Val899Gly)

Gene: BRCA1 (BRCA1 DNA repair associated; minus strand). Cytogenetic location: 17q21.31.
Variant type: single nucleotide variant.
Coding change: c.2696T>G on transcript NM_007294.4 (MANE Select); coding-DNA position 2696, T replaced by G.
Protein change: p.Val899Gly; replaces valine 899 with glycine.
Molecular consequence: missense variant. On other transcripts: intron variant (137).
Genome position (GRCh38, 1-based): chr17:43,092,835, A>C on the plus strand (T>G on the coding strand, the complement: BRCA1 is on the minus strand). VCF-style: chr17-43092835-A-C. GRCh37 (hg19) VCF-style: chr17-41244852-A-C.
Other names: c.2483T>G, p.Val828Gly (NM_001407571.1, NM_001407853.1, NM_001407894.1 and 9 more transcripts); c.2696T>G, p.Val899Gly (NM_001407581.1, NM_001407582.1, NM_001407583.1 and 30 more transcripts); c.2693T>G, p.Val898Gly (NM_001407587.1, NM_001407590.1, NM_001407591.1 and 22 more transcripts); c.2687T>G, p.Val896Gly (NM_001407646.1, NM_001407647.1); c.2573T>G, p.Val858Gly (NM_001407648.1, NM_001407664.1, NM_001407665.1 and 19 more transcripts); c.2570T>G, p.Val857Gly (NM_001407649.1, NM_001407670.1, NM_001407671.1 and 11 more transcripts); c.2618T>G, p.Val873Gly (NM_001407653.1, NM_001407654.1, NM_001407655.1 and 4 more transcripts); c.2615T>G, p.Val872Gly (NM_001407659.1, NM_001407660.1, NM_001407661.1 and 1 more transcripts); and 41 more; short protein forms V899G, V852G, V603G, V810G, V851G, V858G, V873G, V898G.
Identifiers: ClinVar variation 420451 (VCV000420451.13), dbSNP rs1064794483, ClinGen allele CA10596605.

ClinVar aggregate classification (germline): Conflicting classifications of pathogenicity. Review status: criteria provided, conflicting classifications (1 of 4 stars). 3 submissions from 3 submitters: Uncertain significance (2); Likely benign (1). Last evaluated 2025-05-05.

Conditions:
Hereditary cancer-predisposing syndrome. Also called: Hereditary neoplastic syndrome; Tumor predisposition; Neoplastic Syndromes, Hereditary; Hereditary Cancer Syndrome. Identifiers: Orphanet 140162, MedGen C0027672, MeSH D009386, MONDO:0015356.
Hereditary breast ovarian cancer syndrome. Also called: Hereditary breast and ovarian cancer; Hereditary breast and/or ovarian cancer syndrome; Hereditary breast and ovarian cancer syndrome; Hereditary breast and ovarian cancer syndrome (HBOC); Breast and ovarian cancer; BRCA1- and BRCA2-Associated Hereditary Breast and Ovarian Cancer. Identifiers: Orphanet 145, MedGen C0677776, MeSH D061325, MONDO:0003582. Disease mechanism: loss of function.

Submissions (3):

Labcorp Genetics (formerly Invitae), Labcorp
Classification: Uncertain significance for Hereditary breast ovarian cancer syndrome. Last evaluated: 2025-05-05. Review status: criteria provided, single submitter. Criteria: Invitae Variant Classification Sherloc (09022015). Collection method: clinical testing. Allele origin: germline.
Comment: This sequence change replaces valine, which is neutral and non-polar, with glycine, which is neutral and non-polar, at codon 899 of the BRCA1 protein (p.Val899Gly). This variant is not present in population databases (gnomAD no frequency). This variant has not been reported in the literature in individuals affected with BRCA1-related conditions. ClinVar contains an entry for this variant (Variation ID: 420451). Invitae Evidence Modeling of protein sequence and biophysical properties (such as structural, functional, and spatial information, amino acid conservation, physicochemical variation, residue mobility, and thermodynamic stability) has been performed for this missense variant. However, the output from this modeling did not meet the statistical confidence thresholds required to predict the impact of this variant on BRCA1 protein function. In summary, the available evidence is currently insufficient to determine the role of this variant in disease. Therefore, it has been classified as a Variant of Uncertain Significance.

University of Washington Department of Laboratory Medicine, University of Washington
Classification: Likely benign for Hereditary cancer-predisposing syndrome. Last evaluated: 2023-03-23. Review status: criteria provided, single submitter. Criteria: Dines et al. (Genet Med. 2020). Collection method: curation. Allele origin: germline.
Comment: Missense variant in a coldspot region where missense variants are very unlikely to be pathogenic (PMID:31911673).

BRCA1 coldspot (exon 11 using historical exon numbering). Reclassification based on statistical prior probability

GeneDx
Classification: Uncertain significance. Last evaluated: 2016-08-16. Review status: criteria provided, single submitter. Criteria: GeneDx Variant Classification (06012015). Collection method: clinical testing. Allele origin: germline. Affected: yes.
Comment: This variant is denoted BRCA1 c.2696T>G at the cDNA level, p.Val899Gly (V899G) at the protein level, and results in the change of a Valine to a Glycine (GTC>GGC). Using alternate nomenclature, this variant would be defined as BRCA1 2815T>G. This variant has not, to our knowledge, been published in the literature as pathogenic or benign. BRCA1 Val899Gly was not observed in approximately 6,500 individuals of European and African American ancestry in the NHLBI Exome Sequencing Project, suggesting it is not a common benign variant in these populations. Since Valine and Glycine share similar properties, this is considered a conservative amino acid substitution. BRCA1 Val899Gly occurs at a position that is not conserved and is located in DNA binding domain as well as the RAD51 binding domain (Chen 1998, Narod 2004). In silico analyses are inconsistent regarding the effect this variant may have on protein structure and function. Based on currently available evidence, it is unclear whether BRCA1 Val899Gly is a pathogenic or benign variant. We consider it to be a variant of uncertain significance.